The following is an entry in ClinVar:

ClinVar aggregate classification (germline): Uncertain significance (1 of 4 stars; one submission).

Allele frequency attached by ClinVar (database versions not stated): gnomAD 0.00001.
gnomAD v4.1: 2 of 1,607,590 alleles (0.00012%); highest among the groups gnomAD compares: African/African-American, 0.0013%; no homozygotes.

Submission:

Labcorp Genetics (formerly Invitae), Labcorp
Classification: Uncertain significance. Last evaluated: 2023-05-23. Review status: criteria provided, single submitter. Criteria: Invitae Variant Classification Sherloc (09022015). Collection method: clinical testing. Allele origin: germline.
Comment: In summary, the available evidence is currently insufficient to determine the role of this variant in disease. Therefore, it has been classified as a Variant of Uncertain Significance. Advanced modeling of protein sequence and biophysical properties (such as structural, functional, and spatial information, amino acid conservation, physicochemical variation, residue mobility, and thermodynamic stability) has been performed at Invitae for this missense variant, however the output from this modeling did not meet the statistical confidence thresholds required to predict the impact of this variant on LRP5 protein function. This variant has not been reported in the literature in individuals affected with LRP5-related conditions. This variant is not present in population databases (gnomAD no frequency). This sequence change replaces alanine, which is neutral and non-polar, with threonine, which is neutral and polar, at codon 157 of the LRP5 protein (p.Ala157Thr).

NM_002335.4(LRP5):c.469G>A (p.Ala157Thr)

Gene: LRP5 (LDL receptor related protein 5; plus strand). Cytogenetic location: 11q13.2.
Variant type: single nucleotide variant.
Coding change: c.469G>A on transcript NM_002335.4 (MANE Select); coding-DNA position 469, G replaced by A.
Protein change: p.Ala157Thr; replaces alanine 157 with threonine.
Molecular consequence: missense variant. On other transcripts: 5 prime UTR variant (1).
Genome position (GRCh38, 1-based): chr11:68,348,224, G>A. VCF-style: chr11-68348224-G-A. GRCh37 (hg19) VCF-style: chr11-68115692-G-A.
Other names: c.-1297G>A (NM_001291902.2); short protein forms A157T.
Identifiers: ClinVar variation 2808555 (VCV002808555.3), dbSNP rs762734738, ClinGen allele CA6149001.